The following is an entry in ClinVar:

ClinVar aggregate classification (germline): Likely pathogenic (1 of 4 stars; one submission).

Conditions:
Gaze palsy, familial horizontal, with progressive scoliosis 1 (HGPPS1). Identifiers: Orphanet 2744, MedGen C4551964, MONDO:0020790, OMIM 607313.

Submission:

Institute of Human Genetics, University of Leipzig Medical Center
Classification: Likely pathogenic for Gaze palsy, familial horizontal, with progressive scoliosis 1. Last evaluated: 2021-01-09. Review status: criteria provided, single submitter. Criteria: ACMG Guidelines, 2015. Collection method: curation. Allele origin: germline. Inheritance: Autosomal recessive inheritance. Affected: yes.
Comment: This ROBO3 variant was reported as Pathogenicâ€‹ in PMID: 19633821 with original nomenclature reported as c.1450T>C, W484R. Variant was re-classified as Likely Pathogenic based on the criteria PM2_Supporting, PM3_Moderate, PP3_Supporting, PP4_Supporting.

Literature cited by the submitters: PubMed 19633821.

NM_022370.4(ROBO3):c.1450T>C (p.Trp484Arg)

Gene: ROBO3 (roundabout guidance receptor 3; plus strand). Cytogenetic location: 11q24.2.
Variant type: single nucleotide variant.
Coding change: c.1450T>C on transcript NM_022370.4 (MANE Select); coding-DNA position 1450, T replaced by C.
Protein change: p.Trp484Arg; replaces tryptophan 484 with arginine.
Molecular consequence: missense variant.
Genome position (GRCh38, 1-based): chr11:124,873,003, T>C. VCF-style: chr11-124873003-T-C. GRCh37 (hg19) VCF-style: chr11-124742899-T-C.
Other names: short protein forms W484R.
Identifiers: ClinVar variation 996106 (VCV000996106.1), dbSNP rs1946299628, ClinGen allele CA383142533.